The following is an entry in ClinVar:

NM_001037.5(SCN1B):c.489G>A (p.Met163Ile)

Gene: SCN1B (sodium voltage-gated channel beta subunit 1; plus strand). Cytogenetic location: 19q13.11.
Variant type: single nucleotide variant.
Coding change: c.489G>A on transcript NM_001037.5 (MANE Select); coding-DNA position 489, G replaced by A.
Protein change: p.Met163Ile; replaces methionine 163 with isoleucine.
Molecular consequence: missense variant.
Genome position (GRCh38, 1-based): chr19:35,039,157, G>A. VCF-style: chr19-35039157-G-A. GRCh37 (hg19) VCF-style: chr19-35530061-G-A.
Other names: c.390G>A, p.Met130Ile (NM_001321605.2); short protein forms M130I, M163I.
Identifiers: ClinVar variation 1518684 (VCV001518684.10), dbSNP rs2151748748, ClinGen allele CA405329979.
Genomic context (GRCh38, chr19:35,039,157, plus strand): 5'-ACCCTGCCTGGCCCCTGCAGCCAACAGAGACATGGCATCCATCGTGTCTGAGATCATGAT[G>A]TATGTGCTCATTGTGGTGTTGACCATATGGCTCGTGGCAGAGATGATTTACTGCTACAAG-3'
Protein context (NP_001028.1, residues 153-173): DMASIVSEIM[Met163Ile]YVLIVVLTIW

ClinVar aggregate classification (germline): Uncertain significance. Review status: criteria provided, multiple submitters, no conflicts (2 of 4 stars). 3 submissions from 3 submitters: Uncertain significance (3). Last evaluated 2025-12-13.

Conditions:
Brugada syndrome 5 (BRGDA5). Identifiers: Orphanet 130, Orphanet 871, MedGen C2748541, MONDO:0013015, OMIM 612838.
Cardiovascular phenotype. Identifiers: MedGen CN230736.

Submissions (3):

Labcorp Genetics (formerly Invitae), Labcorp
Classification: Uncertain significance for Brugada syndrome 5. Last evaluated: 2025-12-13. Review status: criteria provided, single submitter. Criteria: Invitae Variant Classification Sherloc (09022015). Collection method: clinical testing. Allele origin: germline.
Comment: The SCN1B gene has multiple clinically relevant transcripts. This variant occurs in alternate transcript NM_001037.5, and corresponds to NM_199037.4:c.*5059G>A in the primary transcript. This sequence change replaces methionine, which is neutral and non-polar, with isoleucine, which is neutral and non-polar, at codon 163 of the SCN1B protein (p.Met163Ile). This variant is not present in population databases (gnomAD no frequency). This missense change has been observed in individual(s) with clinical features of developmental and epileptic encephalopathy (internal data). Experimental studies and prediction algorithms are not available or were not evaluated, and the functional significance of this variant is currently unknown. In summary, the available evidence is currently insufficient to determine the role of this variant in disease. Therefore, it has been classified as a Variant of Uncertain Significance.

GeneDx
Classification: Uncertain significance. Last evaluated: 2024-12-17. Review status: criteria provided, single submitter. Criteria: GeneDx Variant Classification Process June 2021. Collection method: clinical testing. Allele origin: germline. Affected: yes.
Comment: Not observed at significant frequency in large population cohorts (gnomAD); In silico analysis supports that this missense variant has a deleterious effect on protein structure/function; Has not been previously published as pathogenic or benign to our knowledge

Ambry Genetics
Classification: Uncertain significance for Cardiovascular phenotype. Last evaluated: 2024-05-30. Review status: criteria provided, single submitter. Criteria: Ambry Variant Classification Scheme 2023. Collection method: clinical testing. Allele origin: germline.